The following is an entry in ClinVar:

NM_020987.5(ANK3):c.9269A>G (p.Lys3090Arg)

Gene: ANK3 (ankyrin 3; minus strand). Cytogenetic location: 10q21.2.
Variant type: single nucleotide variant.
Coding change: c.9269A>G on transcript NM_020987.5 (MANE Select); coding-DNA position 9269, A replaced by G.
Protein change: p.Lys3090Arg; replaces lysine 3090 with arginine.
Molecular consequence: missense variant. On other transcripts: intron variant (4).
Genome position (GRCh38, 1-based): chr10:60,071,612, T>C on the plus strand (A>G on the coding strand, the complement: ANK3 is on the minus strand). VCF-style: chr10-60071612-T-C. GRCh37 (hg19) VCF-style: chr10-61831370-T-C.
Other names: c.4388-3603A>G (NM_001204403.2); c.4409-3603A>G (NM_001204404.2); c.4406-3603A>G (NM_001320874.2); c.1808-3603A>G (NM_001149.4); short protein forms K3090R.
Identifiers: ClinVar variation 2048561 (VCV002048561.4), dbSNP rs2492534616, ClinGen allele CA377003555.

ClinVar aggregate classification (germline): Uncertain significance (1 of 4 stars; one submission).

Submission:

Labcorp Genetics (formerly Invitae), Labcorp
Classification: Uncertain significance. Last evaluated: 2021-12-19. Review status: criteria provided, single submitter. Criteria: Invitae Variant Classification Sherloc (09022015). Collection method: clinical testing. Allele origin: germline.
Comment: In summary, the available evidence is currently insufficient to determine the role of this variant in disease. Therefore, it has been classified as a Variant of Uncertain Significance. Algorithms developed to predict the effect of missense changes on protein structure and function output the following: SIFT: "Not Available"; PolyPhen-2: "Benign"; Align-GVGD: "Not Available". The arginine amino acid residue is found in multiple mammalian species, which suggests that this missense change does not adversely affect protein function. This variant has not been reported in the literature in individuals affected with ANK3-related conditions. This variant is not present in population databases (gnomAD no frequency). This sequence change replaces lysine, which is basic and polar, with arginine, which is basic and polar, at codon 3090 of the ANK3 protein (p.Lys3090Arg).